The following is an entry in ClinVar:

NM_138387.4(G6PC3):c.177G>C (p.Trp59Cys)

Genes: G6PC3 (glucose-6-phosphatase catalytic subunit 3; plus strand), LOC130060959 (ATAC-STARR-seq lymphoblastoid active region 12250; plus strand). Cytogenetic location: 17q21.31.
Variant type: single nucleotide variant.
Coding change: c.177G>C on transcript NM_138387.4 (MANE Select); coding-DNA position 177, G replaced by C.
Protein change: p.Trp59Cys; replaces tryptophan 59 with cysteine.
Molecular consequence: missense variant. On other transcripts: 5 prime UTR variant (3), intron variant (1).
Genome position (GRCh38, 1-based): chr17:44,071,142, G>C. VCF-style: chr17-44071142-G-C. GRCh37 (hg19) VCF-style: chr17-42148510-G-C.
Other names: c.177G>C, p.Trp59Cys (NM_001319945.2); c.-228G>C (NM_001384165.1); c.-363G>C (NM_001384166.1); c.-353G>C (NM_001384167.1); c.-312+428G>C (NM_001384168.1); short protein forms W59C.
Identifiers: ClinVar variation 4261000 (VCV004261000.1).

ClinVar aggregate classification (germline): Uncertain significance (1 of 4 stars; one submission).

Conditions:
Inborn genetic diseases. Identifiers: MedGen C0950123, MeSH D030342.

Submission:

Ambry Genetics
Classification: Uncertain significance for Inborn genetic diseases. Last evaluated: 2025-08-20. Review status: criteria provided, single submitter. Criteria: Ambry Variant Classification Scheme 2023. Collection method: clinical testing. Allele origin: germline.
Comment: The p.W59C variant (also known as c.177G>C), located in coding exon 1 of the G6PC3 gene, results from a G to C substitution at nucleotide position 177. The tryptophan at codon 59 is replaced by cysteine, an amino acid with highly dissimilar properties. This amino acid position is conserved. In addition, this alteration is predicted to be deleterious by in silico analysis. Based on the available evidence, the clinical significance of this variant remains unclear.